The following is an entry in ClinVar:

ClinVar aggregate classification (germline): Uncertain significance (1 of 4 stars; one submission).

Submission:

Labcorp Genetics (formerly Invitae), Labcorp
Classification: Uncertain significance. Last evaluated: 2022-04-29. Review status: criteria provided, single submitter. Criteria: Invitae Variant Classification Sherloc (09022015). Collection method: clinical testing. Allele origin: germline.
Comment: Algorithms developed to predict the effect of missense changes on protein structure and function (SIFT, PolyPhen-2, Align-GVGD) all suggest that this variant is likely to be disruptive. This sequence change replaces glycine, which is neutral and non-polar, with arginine, which is basic and polar, at codon 190 of the PPA2 protein (p.Gly190Arg). This variant is not present in population databases (gnomAD no frequency). This variant has not been reported in the literature in individuals affected with PPA2-related conditions. In summary, the available evidence is currently insufficient to determine the role of this variant in disease. Therefore, it has been classified as a Variant of Uncertain Significance.

NM_176869.3(PPA2):c.568G>A (p.Gly190Arg)

Gene: PPA2 (inorganic pyrophosphatase 2; minus strand). Cytogenetic location: 4q24.
Variant type: single nucleotide variant.
Coding change: c.568G>A on transcript NM_176869.3 (MANE Select); coding-DNA position 568, G replaced by A.
Protein change: p.Gly190Arg; replaces glycine 190 with arginine.
Molecular consequence: missense variant. On other transcripts: intron variant (1).
Genome position (GRCh38, 1-based): chr4:105,424,283, C>T on the plus strand (G>A on the coding strand, the complement: PPA2 is on the minus strand). VCF-style: chr4-105424283-C-T. GRCh37 (hg19) VCF-style: chr4-106345440-C-T.
Other names: c.481G>A, p.Gly161Arg (NM_006903.4); c.262G>A, p.Gly88Arg (NM_176866.2); c.158-25119G>A (NM_176867.3); short protein forms G190R, G88R, G161R.
Identifiers: ClinVar variation 2131897 (VCV002131897.4), dbSNP rs2477134202, ClinGen allele CA357795432.